The following is an entry in ClinVar:

ClinVar aggregate classification (germline): Uncertain significance (1 of 4 stars; one submission).

Conditions:
COG7 congenital disorder of glycosylation (CDG2E). Also called: CONGENITAL DISORDER OF GLYCOSYLATION, TYPE IIe; CDG IIe. Identifiers: Orphanet 79333, MedGen C2931010, MONDO:0012118, OMIM 608779.

Allele frequency attached by ClinVar (database versions not stated): gnomAD exomes 0.00001; gnomAD 0.00004; TOPMed 0.00004.
gnomAD v4.1: 18 of 1,568,290 alleles (0.0011%); highest among the groups gnomAD compares: African/African-American, 0.0068%; no homozygotes.

Submission:

Labcorp Genetics (formerly Invitae), Labcorp
Classification: Uncertain significance for COG7 congenital disorder of glycosylation. Last evaluated: 2022-05-04. Review status: criteria provided, single submitter. Criteria: Invitae Variant Classification Sherloc (09022015). Collection method: clinical testing. Allele origin: germline.
Comment: In summary, the available evidence is currently insufficient to determine the role of this variant in disease. Therefore, it has been classified as a Variant of Uncertain Significance. Algorithms developed to predict the effect of missense changes on protein structure and function (SIFT, PolyPhen-2, Align-GVGD) all suggest that this variant is likely to be tolerated. This variant has not been reported in the literature in individuals affected with COG7-related conditions. This variant is present in population databases (rs757733010, gnomAD 0.007%). This sequence change replaces asparagine, which is neutral and polar, with lysine, which is basic and polar, at codon 467 of the COG7 protein (p.Asn467Lys).

NM_153603.4(COG7):c.1401C>G (p.Asn467Lys)

Gene: COG7 (component of oligomeric golgi complex 7; minus strand). Cytogenetic location: 16p12.2.
Variant type: single nucleotide variant.
Coding change: c.1401C>G on transcript NM_153603.4 (MANE Select); coding-DNA position 1401, C replaced by G.
Protein change: p.Asn467Lys; replaces asparagine 467 with lysine.
Molecular consequence: missense variant.
Genome position (GRCh38, 1-based): chr16:23,413,456, G>C on the plus strand (C>G on the coding strand, the complement: COG7 is on the minus strand). VCF-style: chr16-23413456-G-C. GRCh37 (hg19) VCF-style: chr16-23424777-G-C.
Other names: short protein forms N467K.
Identifiers: ClinVar variation 2178141 (VCV002178141.2), dbSNP rs757733010, ClinGen allele CA279518602.